The following is an entry in ClinVar:

ClinVar aggregate classification (germline): Benign. Review status: criteria provided, multiple submitters, no conflicts (2 of 4 stars). 5 submissions from 5 submitters: Benign (5). Last evaluated 2025-06-04.

Conditions:
Deficiency of steroid 17-alpha-monooxygenase. Also called: ADRENAL HYPERPLASIA V; 17-ALPHA-HYDROXYLASE DEFICIENCY; Congenital adrenal hyperplasia due to 17-alpha-hydroxylase deficiency; Congenital adrenal hyperplasia type 5; 17-alpha-hydroxylase/17,20-lyase deficiency. Identifiers: Orphanet 90793, MedGen C0268285, MONDO:0008730, OMIM 202110.

Allele frequency attached by ClinVar (database versions not stated): ESP Exome Variant Server 0.38234; TOPMed 0.39497; 1000 Genomes Project 30x 0.40646; 1000 Genomes Project 0.41054.

Submissions (5):

Labcorp Genetics (formerly Invitae), Labcorp
Classification: Benign. Last evaluated: 2025-06-04. Review status: criteria provided, single submitter. Criteria: Invitae Variant Classification Sherloc (09022015). Collection method: clinical testing. Allele origin: germline.

Genome-Nilou Lab
Classification: Benign for Deficiency of steroid 17-alpha-monooxygenase. Last evaluated: 2021-07-01. Review status: criteria provided, single submitter. Criteria: ACMG Guidelines, 2015. Collection method: clinical testing. Allele origin: germline. Affected: no.

Illumina Laboratory Services, Illumina
Classification: Benign for Deficiency of steroid 17-alpha-monooxygenase. Last evaluated: 2018-03-06. Review status: criteria provided, single submitter. Criteria: ICSL Variant Classification Criteria 13 December 2019. Collection method: clinical testing. Allele origin: germline.
Comment: This variant was observed in the ICSL laboratory as part of a predisposition screen in an ostensibly healthy population. It had not been previously curated by ICSL or reported in the Human Gene Mutation Database (HGMD: prior to June 1st, 2018), and was therefore a candidate for classification through an automated scoring system. Utilizing variant allele frequency, disease prevalence and penetrance estimates, and inheritance mode, an automated score was calculated to assess if this variant is too frequent to cause the disease. Based on the score and internal cut-off values, a variant classified as benign is not then subjected to further curation. The score for this variant resulted in a classification of benign for this disease.

GeneDx
Classification: Benign. Last evaluated: 2015-03-03. Review status: criteria provided, single submitter. Criteria: GeneDx Variant Classification Process June 2021. Collection method: clinical testing. Allele origin: germline. Affected: yes.
Comment: This variant is associated with the following publications: (PMID: 25929975, 24629213, 7849715, 20113968, 16998812, 17307805, 19013303, 21716904, 20133979, 17606708, 9067272, 20798986)

Breakthrough Genomics
Classification: Benign. Review status: criteria provided, single submitter. Criteria: ACMG Guidelines, 2015. Collection method: not provided. Allele origin: germline. Inheritance: Autosomal recessive inheritance. Affected: yes.

NM_000102.4(CYP17A1):c.-34T>C

Genes: CYP17A1 (cytochrome P450 family 17 subfamily A member 1; minus strand), LOC110408762 (CYP17A1 promoter; plus strand). Cytogenetic location: 10q24.32.
Variant type: single nucleotide variant.
Coding change: c.-34T>C on transcript NM_000102.4 (MANE Select); 34 bases upstream of the start codon, T replaced by C.
Molecular consequence: 5 prime UTR variant.
Genome position (GRCh38, 1-based): chr10:102,837,395, A>G on the plus strand (T>C on the coding strand, the complement: CYP17A1 is on the minus strand). VCF-style: chr10-102837395-A-G. GRCh37 (hg19) VCF-style: chr10-104597152-A-G.
Identifiers: ClinVar variation 298630 (VCV000298630.18), dbSNP rs743572, ClinGen allele CA5669672.